The following is an entry in ClinVar:

NM_032119.4(ADGRV1):c.14438T>A (p.Val4813Asp)

Gene: ADGRV1 (adhesion G protein-coupled receptor V1; plus strand). Cytogenetic location: 5q14.3.
Variant type: single nucleotide variant.
Coding change: c.14438T>A on transcript NM_032119.4 (MANE Select); coding-DNA position 14438, T replaced by A.
Protein change: p.Val4813Asp; replaces valine 4813 with aspartic acid.
Molecular consequence: missense variant. On other transcripts: non-coding transcript variant (1).
Genome position (GRCh38, 1-based): chr5:90,791,267, T>A. VCF-style: chr5-90791267-T-A. GRCh37 (hg19) VCF-style: chr5-90087084-T-A.
Other names: short protein forms V4813D.
Identifiers: ClinVar variation 2506724 (VCV002506724.1), dbSNP rs1671121447, ClinGen allele CA360401944.

ClinVar aggregate classification (germline): Uncertain significance (1 of 4 stars; one submission).

Allele frequency attached by ClinVar (database versions not stated): TOPMed below 0.00001.

Submission:

GeneDx
Classification: Uncertain significance. Last evaluated: 2022-12-22. Review status: criteria provided, single submitter. Criteria: GeneDx Variant Classification Process June 2021. Collection method: clinical testing. Allele origin: germline. Affected: yes.
Comment: Not observed at significant frequency in large population cohorts (gnomAD); In silico analysis supports that this missense variant has a deleterious effect on protein structure/function; Has not been previously published as pathogenic or benign to our knowledge